The following is an entry in ClinVar:

ClinVar aggregate classification (germline): Uncertain significance (1 of 4 stars; one submission).

Conditions:
Neuroblastoma, susceptibility to, 3. Also called: ALK-Related Neuroblastic Tumor Susceptibility. Identifiers: Orphanet 635, MedGen C2751681, MONDO:0013083, OMIM 613014.

Submission:

Labcorp Genetics (formerly Invitae), Labcorp
Classification: Uncertain significance for Neuroblastoma, susceptibility to, 3. Last evaluated: 2022-08-23. Review status: criteria provided, single submitter. Criteria: Invitae Variant Classification Sherloc (09022015). Collection method: clinical testing. Allele origin: germline.
Comment: In summary, the available evidence is currently insufficient to determine the role of this variant in disease. Therefore, it has been classified as a Variant of Uncertain Significance. Experimental studies and prediction algorithms are not available or were not evaluated, and the functional significance of this variant is currently unknown. This variant has not been reported in the literature in individuals affected with ALK-related conditions. This variant is a gross deletion of the genomic region encompassing exon(s) 27-28 of the ALK gene. While this deletion is not anticipated to lead to nonsense mediated decay, it is expected to disrupt the C-terminus of the protein.

NC_000002.11:g.(?_29419616)_(29420562_?)del

Gene: ALK (ALK receptor tyrosine kinase; minus strand). Cytogenetic location: 2p23.2.
Variant type: Deletion.
Identifiers: ClinVar variation 2425058 (VCV002425058.2).